The following is an entry in ClinVar:

NM_000125.4(ESR1):c.29C>T (p.Ser10Phe)

Gene: ESR1 (estrogen receptor 1; plus strand). Cytogenetic location: 6q25.1.
Variant type: single nucleotide variant.
Coding change: c.29C>T on transcript NM_000125.4 (MANE Select); coding-DNA position 29, C replaced by T.
Protein change: p.Ser10Phe; replaces serine 10 with phenylalanine.
Molecular consequence: missense variant.
Genome position (GRCh38, 1-based): chr6:151,807,941, C>T. VCF-style: chr6-151807941-C-T. GRCh37 (hg19) VCF-style: chr6-152129076-C-T.
Other names: c.29C>T, p.Ser10Phe (NM_001122740.2, NM_001122741.2, NM_001122742.2 and 7 more transcripts); short protein forms S10F.
Identifiers: ClinVar variation 2571953 (VCV002571953.1), dbSNP rs1778145541, ClinGen allele CA366211456.

ClinVar aggregate classification (germline): Uncertain significance (1 of 4 stars; one submission).

Submission:

GeneDx
Classification: Uncertain significance. Last evaluated: 2023-01-09. Review status: criteria provided, single submitter. Criteria: GeneDx Variant Classification Process June 2021. Collection method: clinical testing. Allele origin: germline. Affected: yes.
Comment: Not observed at significant frequency in large population cohorts (gnomAD); In silico analysis supports that this missense variant has a deleterious effect on protein structure/function; Has not been previously published as pathogenic or benign to our knowledge